The following is an entry in ClinVar:

ClinVar aggregate classification (germline): Pathogenic (1 of 4 stars; one submission).

Conditions:
Renal tubular acidosis with progressive nerve deafness. Also called: RENAL TUBULAR ACIDOSIS, AUTOSOMAL RECESSIVE, WITH PROGRESSIVE NERVE DEAFNESS; RTA WITH PROGRESSIVE NERVE DEAFNESS; Distal Renal Tubular Acidosis with Progressive Sensorineural Deafness; renal tubular acidosis, distal, 2, with progressive sensorineural hearing loss. Identifiers: MedGen C0403554, MONDO:0009968, OMIM 267300.

Submission:

Myriad Genetics, Inc.
Classification: Pathogenic for Renal tubular acidosis with progressive nerve deafness. Last evaluated: 2024-05-14. Review status: criteria provided, single submitter. Criteria: Myriad Autosomal Dominant, Autosomal Recessive and X-Linked Classification Criteria (2023). Collection method: clinical testing. Allele origin: unknown.
Comment: NM_001692.3(ATP6V1B1):c.608_609ins19(Q203Hfs*22) is expected to be pathogenic in the context of distal renal tubular acidosis with deafness, ATP6V1B1-related. This variant is predicted to lead to an abnormal or absent protein product due to the creation of a premature termination codon in ATP6V1B1, a gene where loss-of-function variants are known to be pathogenic. Please note: this variant was assessed in the context of healthy population screening.

NM_001692.4(ATP6V1B1):c.608_609insCTGTCTCTTATACACATCT (p.Gln203fs)

Gene: ATP6V1B1 (ATPase H+ transporting V1 subunit B1; plus strand). Cytogenetic location: 2p13.3.
Variant type: Insertion.
Coding change: c.608_609insCTGTCTCTTATACACATCT on transcript NM_001692.4 (MANE Select); coding-DNA positions 608 to 609, CTGTCTCTTATACACATCT inserted.
Protein change: p.Gln203fs; shifts the reading frame from glutamine 203.
Molecular consequence: frameshift variant.
Genome position: GRCh38 VCF-style: chr2-70960943-A-ACTGTCTCTTATACACATCT. GRCh37 (hg19) VCF-style: chr2-71188073-A-ACTGTCTCTTATACACATCT.
Other names: short protein forms Q203fs.
Identifiers: ClinVar variation 5010342 (VCV005010342.1).